The following is an entry in ClinVar:

NM_001365999.1(SZT2):c.4982A>G (p.Asp1661Gly)

Gene: SZT2 (SZT2 subunit of KICSTOR complex; plus strand). Cytogenetic location: 1p34.2.
Variant type: single nucleotide variant.
Coding change: c.4982A>G on transcript NM_001365999.1 (MANE Select); coding-DNA position 4982, A replaced by G.
Protein change: p.Asp1661Gly; replaces aspartic acid 1661 with glycine.
Molecular consequence: missense variant.
Genome position (GRCh38, 1-based): chr1:43,431,330, A>G. VCF-style: chr1-43431330-A-G. GRCh37 (hg19) VCF-style: chr1-43897001-A-G.
Other names: c.4811A>G, p.Asp1604Gly (NM_015284.4); short protein forms D1604G, D1661G.
Identifiers: ClinVar variation 1016035 (VCV001016035.8), dbSNP rs771929400, ClinGen allele CA21637612.

ClinVar aggregate classification (germline): Uncertain significance (1 of 4 stars; one submission).

Allele frequency attached by ClinVar (database versions not stated): gnomAD exomes below 0.00001.
gnomAD v4.1: 6 of 1,613,400 alleles (0.00037%); highest among the groups gnomAD compares: South Asian, 0.0033%; no homozygotes.

Submission:

Labcorp Genetics (formerly Invitae), Labcorp
Classification: Uncertain significance. Last evaluated: 2024-03-11. Review status: criteria provided, single submitter. Criteria: Invitae Variant Classification Sherloc (09022015). Collection method: clinical testing. Allele origin: germline.
Comment: This sequence change replaces aspartic acid, which is acidic and polar, with glycine, which is neutral and non-polar, at codon 1604 of the SZT2 protein (p.Asp1604Gly). This variant is present in population databases (no rsID available, gnomAD 0.007%). This variant has not been reported in the literature in individuals affected with SZT2-related conditions. ClinVar contains an entry for this variant (Variation ID: 1016035). Advanced modeling of protein sequence and biophysical properties (such as structural, functional, and spatial information, amino acid conservation, physicochemical variation, residue mobility, and thermodynamic stability) has been performed at Invitae for this missense variant, however the output from this modeling did not meet the statistical confidence thresholds required to predict the impact of this variant on SZT2 protein function. In summary, the available evidence is currently insufficient to determine the role of this variant in disease. Therefore, it has been classified as a Variant of Uncertain Significance.